The following is an entry in ClinVar:

ClinVar aggregate classification (germline): Pathogenic (1 of 4 stars; one submission).

Conditions:
Fabry disease. Also called: HEREDITARY DYSTOPIC LIPIDOSIS; Ceramide trihexosidosis; Fabry's disease; Angiokeratoma corporis diffusum; ALPHA-GALACTOSIDASE A DEFICIENCY; ANDERSON-FABRY DISEASE. Identifiers: Orphanet 324, MedGen C0002986, MONDO:0010526, OMIM 301500, HP:0001071. Disease mechanism: Fabry disease is due to inactivating mutations in the X-linked GLA gene resulting in deficiency of the enzyme Alpha Galactosidase-A., loss of function.

Submission:

Labcorp Genetics (formerly Invitae), Labcorp
Classification: Pathogenic for Fabry disease. Last evaluated: 2020-03-06. Review status: criteria provided, single submitter. Criteria: Invitae Variant Classification Sherloc (09022015). Collection method: clinical testing. Allele origin: germline.
Comment: This sequence change results in a premature translational stop signal in the GLA gene (p.Pro343Leufs*5). While this is not anticipated to result in nonsense mediated decay, it is expected to disrupt the last 87 amino acids of the GLA protein. This variant is not present in population databases (ExAC no frequency). For these reasons, this variant has been classified as Pathogenic. This variant disrupts the C-terminus of the GLA protein. Other variant(s) that disrupt this region (p.Val376Profs*10) have been determined to be pathogenic (Invitae). This suggests that variants that disrupt this region of the protein are likely to be causative of disease. This variant has not been reported in the literature in individuals with GLA-related conditions.

NM_000169.3(GLA):c.1028del (p.Pro343fs)

Genes: GLA (galactosidase alpha; minus strand), RPL36A-HNRNPH2 (RPL36A-HNRNPH2 readthrough; plus strand). Cytogenetic location: Xq22.1.
Variant type: Deletion.
Coding change: c.1028del on transcript NM_000169.3 (MANE Select); coding-DNA position 1028, one base deleted (C; older notation c.1028delC).
Protein change: p.Pro343fs; shifts the reading frame from proline 343.
Molecular consequence: frameshift variant. On other transcripts: intron variant (2), non-coding transcript variant (3).
Genome position (GRCh38, 1-based): chrX:101,398,071, G deleted on the plus strand (C on the coding strand, the reverse complement: GLA is on the minus strand); the first of 2 consecutive G bases (chrX:101,398,071-101,398,072); deleting either gives the same sequence. VCF-style (leftmost placement, unchanged base first): chrX-101398070-AG-A. GRCh37 (hg19) VCF-style: chrX-100653058-AG-A.
Other names: c.300+2615del (NM_001199973.2); c.177+6250del (NM_001199974.2); c.1151del, p.Pro384fs (NM_001406747.1); short protein forms P343fs, P384fs.
Identifiers: ClinVar variation 222127 (VCV000222127.9), dbSNP rs869312215, ClinGen allele CA352878.